The following is an entry in ClinVar:

NM_017636.4(TRPM4):c.1887G>C (p.Glu629Asp)

Gene: TRPM4 (transient receptor potential cation channel subfamily M member 4; plus strand). Cytogenetic location: 19q13.33.
Variant type: single nucleotide variant.
Coding change: c.1887G>C on transcript NM_017636.4 (MANE Select); coding-DNA position 1887, G replaced by C.
Protein change: p.Glu629Asp; replaces glutamic acid 629 with aspartic acid.
Molecular consequence: missense variant.
Genome position (GRCh38, 1-based): chr19:49,188,959, G>C. VCF-style: chr19-49188959-G-C. GRCh37 (hg19) VCF-style: chr19-49692216-G-C.
Other names: c.1887G>C, p.Glu629Asp (NM_001195227.2); c.1542G>C, p.Glu514Asp (NM_001321281.2); c.279G>C, p.Glu93Asp (NM_001321282.2); c.1365G>C, p.Glu455Asp (NM_001321283.2); c.825G>C, p.Glu275Asp (NM_001321285.2); short protein forms E455D, E514D, E629D, E93D, E275D.
Identifiers: ClinVar variation 2010790 (VCV002010790.4), dbSNP rs375193278, ClinGen allele CA406803570.

ClinVar aggregate classification (germline): Uncertain significance (1 of 4 stars; one submission).

Conditions:
Progressive familial heart block type IB (PFHB1B). Identifiers: Orphanet 871, MedGen C1970298, MONDO:0011474, OMIM 604559.

Submission:

Labcorp Genetics (formerly Invitae), Labcorp
Classification: Uncertain significance for Progressive familial heart block type IB. Last evaluated: 2022-06-26. Review status: criteria provided, single submitter. Criteria: Invitae Variant Classification Sherloc (09022015). Collection method: clinical testing. Allele origin: germline.
Comment: This sequence change replaces glutamic acid, which is acidic and polar, with aspartic acid, which is acidic and polar, at codon 629 of the TRPM4 protein (p.Glu629Asp). This variant is not present in population databases (gnomAD no frequency). This variant has not been reported in the literature in individuals affected with TRPM4-related conditions. Algorithms developed to predict the effect of missense changes on protein structure and function (SIFT, PolyPhen-2, Align-GVGD) all suggest that this variant is likely to be tolerated. In summary, the available evidence is currently insufficient to determine the role of this variant in disease. Therefore, it has been classified as a Variant of Uncertain Significance.